The following is an entry in ClinVar:

ClinVar aggregate classification (germline): Conflicting classifications of pathogenicity. Review status: criteria provided, conflicting classifications (1 of 4 stars). 24 submissions from 20 submitters: Uncertain significance (9); Benign (3); Likely benign (7). 5 of the submissions do not count toward it. Last evaluated 2026-03-27.

Conditions:
TTN-related disorder. Also called: TTN-related condition; TTN-related disease; TTN-related disorders.
Cardiovascular phenotype. Identifiers: MedGen CN230736.
Dilated cardiomyopathy 1G (CMD1G). Identifiers: Orphanet 154, MedGen C1858763, MONDO:0011400, OMIM 604145.
Autosomal recessive limb-girdle muscular dystrophy type 2J (LGMDR10). Also called: Limb-girdle muscular dystrophy, type 2J; MUSCULAR DYSTROPHY, LIMB-GIRDLE, AUTOSOMAL RECESSIVE 10. Identifiers: Orphanet 140922, MedGen C1837342, MONDO:0012127, OMIM 608807.
Cardiomyopathy (CMYO). Also called: Cardiomyopathies. Identifiers: Orphanet 167848, MedGen C0878544, MONDO:0004994, HP:0001638. Inheritance: Various modes of inheritance.
Early-onset myopathy with fatal cardiomyopathy (CMYO5). Also called: Salih Myopathy; CONGENITAL MYOPATHY 5 WITH CARDIOMYOPATHY. Identifiers: Orphanet 289377, MedGen C2673677, MONDO:0012714, OMIM 611705. Disease mechanism: loss of function.
Myopathy, myofibrillar, 9, with early respiratory failure (MFM9). Also called: Hereditary myopathy with early respiratory failure; Myopathy, distal, with early respiratory failure, autosomal dominant; EDSTROM MYOPATHY; MYOPATHY, PROXIMAL, WITH EARLY RESPIRATORY MUSCLE INVOLVEMENT. Identifiers: Orphanet 178464, Orphanet 34521, MedGen C1863599, MONDO:0011362, OMIM 603689.
Tibial muscular dystrophy (TMD). Also called: Udd Distal Myopathy – Tibial Muscular Dystrophy; Tibial muscular dystrophy, tardive; UDD MYOPATHY. Identifiers: Orphanet 609, MedGen C1838244, MONDO:0010870, OMIM 600334.

Allele frequency attached by ClinVar (database versions not stated): 1000 Genomes Project 30x 0.00016; 1000 Genomes Project 0.00020; ExAC 0.00056; gnomAD exomes 0.00063 and 0.00080; ESP Exome Variant Server 0.00067; TOPMed 0.00071; gnomAD 0.00081 and 0.00082.
gnomAD v4.1: 1,288 of 1,613,840 alleles (0.08%); highest among the groups gnomAD compares: Middle Eastern, 0.12%; 1 homozygote.

Submissions 1 to 14 of 24:

Molecular Diagnostic Laboratory for Inherited Cardiovascular Disease, Montreal Heart Institute
Classification: Likely benign. Last evaluated: 2026-03-27. Review status: criteria provided, single submitter. Criteria: ACMG Guidelines, 2015. Collection method: clinical testing. Allele origin: germline. Affected: no.
Comment: BS1;BP1

Labcorp Genetics (formerly Invitae), Labcorp
Classification: Likely benign for Dilated cardiomyopathy 1G; Autosomal recessive limb-girdle muscular dystrophy type 2J. Last evaluated: 2026-02-03. Review status: criteria provided, single submitter. Criteria: Invitae Variant Classification Sherloc (09022015). Collection method: clinical testing. Allele origin: germline.

Women's Health and Genetics/Laboratory Corporation of America, LabCorp
Classification: Likely benign. Last evaluated: 2025-12-19. Review status: criteria provided, single submitter. Criteria: LabCorp Variant Classification Summary - May 2015. Collection method: clinical testing. Allele origin: germline.
Comment: Variant summary: TTN c.81722G>A (p.Arg27241Gln) results in a conservative amino acid change in the encoded protein sequence. Algorithms developed to predict the effect of missense changes on protein structure and function are either unavailable or do not agree on the potential impact of this missense change. The variant allele was found at a frequency of 0.00063 in 248570 control chromosomes, predominantly at a frequency of 0.00097 within the Non-Finnish European subpopulation in the gnomAD database. The observed variant frequency within Non-Finnish European control individuals in the gnomAD database exceeds the estimated maximal expected allele frequency for disease-causing variants in TTN. c.81722G>A has been observed in individuals affected with Dilated Cardiomyopathy or Hypertrophic Cardiomyopathy, without strong evidence for causality (e.g. Lopes_2013, Franaszczyk_2017). These reports do not provide unequivocal conclusions about association of the variant with Cardiomyopathy. To our knowledge, no experimental evidence demonstrating an impact on protein function has been reported. The following publications have been ascertained in the context of this evaluation (PMID: 28045975, 23396983). ClinVar contains an entry for this variant (Variation ID: 47489). Based on the evidence outlined above, the variant was classified as likely benign.

CeGaT Center for Human Genetics Tuebingen
Classification: Likely benign. Last evaluated: 2025-10-01. Review status: criteria provided, single submitter. Criteria: CeGaT Center For Human Genetics Tuebingen Variant Classification Criteria Version 2. Collection method: clinical testing. Allele origin: germline. Affected: yes. Observed: 18 variant alleles.
Comment: TTN: BP4

GeneDx
Classification: Uncertain significance. Last evaluated: 2025-08-25. Review status: criteria provided, single submitter. Criteria: GeneDx Variant Classification Process June 2021. Collection method: clinical testing. Allele origin: germline. Affected: yes.
Comment: Identified in a patient with HCM in published literature; this patient also harbored a variant in MYH6 (PMID: 23396983); Located in the A-band region of TTN in which the majority of loss of function variants have been associated with autosomal dominant titinopathies (PMID: 23975875); In silico analysis suggests this variant may impact gene splicing. In the absence of RNA/functional studies, the actual effect of this sequence change is unknown.; This variant is associated with the following publications: (PMID: 23396983, 23975875)

ARUP Laboratories, Molecular Genetics and Genomics, ARUP Laboratories
Classification: Uncertain significance. Last evaluated: 2025-03-20. Review status: criteria provided, single submitter. Criteria: ARUP Molecular Germline Variant Investigation Process 2024. Collection method: clinical testing. Allele origin: germline.
Comment: The TTN c.89426G>A; p.Arg29809Gln variant (rs72648238), to our knowledge, is not reported in the medical literature but is reported in ClinVar (Variation ID: 47489). This variant is found in the general population with an overall allele frequency of 0.06% (180/279970 alleles) in the Genome Aggregation Database (v2.1.1). Computational analyses are uncertain whether this variant is neutral or deleterious (REVEL: 0.183) and splicing predictors (Alamut Visual Plus v.1.12) predict that this variant may impact splicing. Due to limited information, the clinical significance of this variant is uncertain at this time. References: Begay RL et al. Role of Titin Missense Variants in Dilated Cardiomyopathy. J Am Heart Assoc. 2015 Nov 13;4(11). PMID: 26567375. Herman DS et al. Truncations of titin causing dilated cardiomyopathy. N Engl J Med. 2012 Feb 16;366(7):619-28. PMID: 22335739. Linke WA and Hamdani N. Gigantic business: titin properties and function through thick and thin. Circ Res 2014; 114(6): 1052-1068. PMID: 24625729.

Blueprint Genetics
Classification: Likely benign. Last evaluated: 2024-11-26. Review status: criteria provided, single submitter. Criteria: ACMG Guidelines, 2015. Collection method: clinical testing. Allele origin: germline.

CHEO Genetics Diagnostic Laboratory, Children's Hospital of Eastern Ontario
Classification: Benign for Cardiomyopathy. Last evaluated: 2023-03-24. Review status: criteria provided, single submitter. Criteria: ACMG Guidelines, 2015. Collection method: clinical testing. Allele origin: germline.

Mayo Clinic Laboratories, Mayo Clinic
Classification: Uncertain significance. Last evaluated: 2023-03-08. Review status: criteria provided, single submitter. Criteria: ACMG Guidelines, 2015. Collection method: clinical testing. Allele origin: germline. Observed: 3 variant alleles.
Comment: BP4

Ambry Genetics
Classification: Likely benign for Cardiovascular phenotype. Last evaluated: 2019-09-10. Review status: criteria provided, single submitter. Criteria: Ambry Variant Classification Scheme 2023. Collection method: clinical testing. Allele origin: germline.

Eurofins Ntd Llc (ga)
Classification: Uncertain significance. Last evaluated: 2018-06-13. Review status: criteria provided, single submitter. Criteria: EGL ClinVar v180209 classification definitions. Collection method: clinical testing. Allele origin: germline. Observed: 6 variant alleles, 6 heterozygotes.

Illumina Laboratory Services, Illumina
Classification: Uncertain significance for Autosomal recessive limb-girdle muscular dystrophy type 2J. Last evaluated: 2018-01-12. Review status: criteria provided, single submitter. Criteria: ICSL Variant Classification Criteria 13 December 2019. Collection method: clinical testing. Allele origin: germline.

Illumina Laboratory Services, Illumina
Classification: Benign for Tibial muscular dystrophy. Last evaluated: 2018-01-12. Review status: criteria provided, single submitter. Criteria: ICSL Variant Classification Criteria 13 December 2019. Collection method: clinical testing. Allele origin: germline.
Comment: This variant was observed in the ICSL laboratory as part of a predisposition screen in an ostensibly healthy population. It had not been previously curated by ICSL or reported in the Human Gene Mutation Database (HGMD: prior to June 1st, 2018), and was therefore a candidate for classification through an automated scoring system. Utilizing variant allele frequency, disease prevalence and penetrance estimates, and inheritance mode, an automated score was calculated to assess if this variant is too frequent to cause the disease. Based on the score and internal cut-off values, a variant classified as benign is not then subjected to further curation. The score for this variant resulted in a classification of benign for this disease.

Illumina Laboratory Services, Illumina
Classification: Benign for Myopathy, myofibrillar, 9, with early respiratory failure. Last evaluated: 2018-01-12. Review status: criteria provided, single submitter. Criteria: ICSL Variant Classification Criteria 13 December 2019. Collection method: clinical testing. Allele origin: germline.
Comment: the same text as in the submission from Illumina Laboratory Services, Illumina above.

NM_001267550.2(TTN):c.89426G>A (p.Arg29809Gln)

Genes: TTN (titin; minus strand), TTN-AS1 (TTN antisense RNA 1; plus strand). Cytogenetic location: 2q31.2.
Variant type: single nucleotide variant.
Coding change: c.89426G>A on transcript NM_001267550.2 (MANE Select); coding-DNA position 89426, G replaced by A.
Protein change: p.Arg29809Gln; replaces arginine 29809 with glutamine.
Molecular consequence: missense variant.
Genome position (GRCh38, 1-based): chr2:178,553,579, C>T on the plus strand (G>A on the coding strand, the complement: TTN is on the minus strand). VCF-style: chr2-178553579-C-T. GRCh37 (hg19) VCF-style: chr2-179418306-C-T.
Other names: p.R28168Q:CGG>CAG; c.84503G>A, p.Arg28168Gln (NM_001256850.1); c.81722G>A, p.Arg27241Gln (NM_133378.4); c.62231G>A, p.Arg20744Gln (NM_003319.4); c.62606G>A, p.Arg20869Gln (NM_133432.3); c.62807G>A, p.Arg20936Gln (NM_133437.4); short protein forms R29809Q, R27241Q, R28168Q, R20744Q, R20936Q, R20869Q.
Identifiers: ClinVar variation 47489 (VCV000047489.87), dbSNP rs72648238, ClinGen allele CA141163.
Genomic context (GRCh38, chr2:178,553,579, plus strand): 5'-TGTACAGGTTCATTCATTTCTATAGGTTCTCCTTGTCCAGCACAGTTTACAGCAGATACC[C>T]GGAAGTAGTAATTGACTCCAGGTTTCAGGTTGGATACCACATATTCTGTAGTTCTGACCT-3'
Protein context (NP_001254479.2, residues 29799-29819): NLKPGVNYYF[Arg29809Gln]VSAVNCAGQG